The following is an entry in ClinVar:

ClinVar aggregate classification (germline): Pathogenic (1 of 4 stars; one submission).

Conditions:
Congenital disorder of deglycosylation (CDDG). Identifiers: MedGen C3808991, MONDO:0031376.

Allele frequency attached by ClinVar (database versions not stated): gnomAD exomes below 0.00001.
gnomAD v4.1: 6 of 1,594,436 alleles (0.00038%); highest among the groups gnomAD compares: Non-Finnish European, 0.00051%; no homozygotes.

Submission:

Labcorp Genetics (formerly Invitae), Labcorp
Classification: Pathogenic for Congenital disorder of deglycosylation. Last evaluated: 2023-07-13. Review status: criteria provided, single submitter. Criteria: Invitae Variant Classification Sherloc (09022015). Collection method: clinical testing. Allele origin: germline.
Comment: For these reasons, this variant has been classified as Pathogenic. This variant has not been reported in the literature in individuals affected with NGLY1-related conditions. This variant is not present in population databases (gnomAD no frequency). This sequence change creates a premature translational stop signal (p.Cys21*) in the NGLY1 gene. It is expected to result in an absent or disrupted protein product. Loss-of-function variants in NGLY1 are known to be pathogenic (PMID: 24651605).

Literature cited by the submitters: PubMed 24651605.

NM_018297.4(NGLY1):c.63C>A (p.Cys21Ter)

Gene: NGLY1 (N-glycanase 1; minus strand). Cytogenetic location: 3p24.2.
Variant type: single nucleotide variant.
Coding change: c.63C>A on transcript NM_018297.4 (MANE Select); coding-DNA position 63, C replaced by A.
Protein change: p.Cys21Ter; replaces cysteine 21 with a stop codon.
Molecular consequence: nonsense. On other transcripts: intron variant (1).
Genome position (GRCh38, 1-based): chr3:25,783,328, G>T on the plus strand (C>A on the coding strand, the complement: NGLY1 is on the minus strand). VCF-style: chr3-25783328-G-T. GRCh37 (hg19) VCF-style: chr3-25824819-G-T.
Other names: c.63C>A, p.Cys21Ter (NM_001145293.2, NM_001145295.2); c.6-4640C>A (NM_001145294.2); short protein forms C21*.
Identifiers: ClinVar variation 2895077 (VCV002895077.3), dbSNP rs1182383020, ClinGen allele CA351911321.